The following is an entry in ClinVar:

ClinVar aggregate classification (germline): Conflicting classifications of pathogenicity. Review status: criteria provided, conflicting classifications (1 of 4 stars). 8 submissions from 8 submitters: Uncertain significance (1); Likely benign (5). 2 of the submissions do not count toward it. Last evaluated 2025-03-11.

Conditions:
BRCA1-related cancer predisposition. Identifiers: MedGen CN377757, MONDO:0700268.
Hereditary cancer-predisposing syndrome. Also called: Tumor predisposition; Hereditary neoplastic syndrome; Hereditary Cancer Syndrome; Neoplastic Syndromes, Hereditary. Identifiers: Orphanet 140162, MedGen C0027672, MeSH D009386, MONDO:0015356.
Hereditary breast ovarian cancer syndrome. Also called: Hereditary breast and/or ovarian cancer syndrome; Breast and ovarian cancer; Hereditary breast and ovarian cancer syndrome; Hereditary breast and ovarian cancer; Hereditary breast and ovarian cancer syndrome (HBOC); BRCA1- and BRCA2-Associated Hereditary Breast and Ovarian Cancer. Identifiers: Orphanet 145, MedGen C0677776, MeSH D061325, MONDO:0003582. Disease mechanism: loss of function.
Breast-ovarian cancer, familial, susceptibility to, 1 (BROVCA1). Also called: BRCA1 Hereditary Breast and Ovarian Cancer; OVARIAN CANCER, SUSCEPTIBILITY TO. Identifiers: Orphanet 145, MedGen C2676676, MONDO:0011450, OMIM 604370. Disease mechanism: loss of function.
Malignant tumor of breast. Also called: Malignant breast neoplasm; Cancer breast. Identifiers: MedGen C0006142, MONDO:0007254. Disease mechanism: loss of function.

Allele frequency attached by ClinVar (database versions not stated): gnomAD 0.00001; TOPMed 0.00002.
gnomAD v4.1: 10 of 1,600,650 alleles (0.00062%); highest among the groups gnomAD compares: Non-Finnish European, 0.00086%; no homozygotes.

Submissions (8):

Labcorp Genetics (formerly Invitae), Labcorp
Classification: Likely benign for Hereditary breast ovarian cancer syndrome. Last evaluated: 2025-03-11. Review status: criteria provided, single submitter. Criteria: Invitae Variant Classification Sherloc (09022015). Collection method: clinical testing. Allele origin: germline.

All of Us Research Program, National Institutes of Health
Classification: Likely benign for BRCA1-related cancer predisposition. Last evaluated: 2024-08-13. Review status: criteria provided, single submitter. Criteria: ACMG Guidelines, 2015. Collection method: clinical testing. Allele origin: germline. Inheritance: Autosomal dominant inheritance. Observed: 1 variant allele, 1 heterozygote.
Comment: This study involves interpretation of variants in research participants for the purpose of population health screening. Participant phenotype was not available at the time of variant classification. Additional details can be found in publication PMID: 35346344, PMCID: PMC8962531

Women's Health and Genetics/Laboratory Corporation of America, LabCorp
Classification: Likely benign. Last evaluated: 2023-07-03. Review status: criteria provided, single submitter. Criteria: LabCorp Variant Classification Summary - May 2015. Collection method: clinical testing. Allele origin: germline.
Comment: Variant summary: BRCA1 c.4987-11T>C alters a non-conserved nucleotide located close to a canonical splice site and therefore could affect mRNA splicing, leading to a significantly altered protein sequence. 4/4 computational tools predict no significant impact on normal splicing. RT-PCR analysis have showed the variant to have no impact on splicing (Wai_2020).The variant allele was found at a frequency of 4e-06 in 251202 control chromosomes (gnomAD). The available data on variant occurrences in the general population are insufficient to allow any conclusion about variant significance. c.4987-11T>C has been reported in the literature without evidence for causality (example: Hondow_2011). This report does not provide unequivocal conclusions about association of the variant with Hereditary Breast And Ovarian Cancer Syndrome. Four submitters have cited clinical-significance assessments for this variant to ClinVar after 2014 and classified the variant as likely benign (n=3) and VUS (n=1). Based on the evidence outlined above, the variant was classified as likely benign.

GeneDx
Classification: Likely benign. Last evaluated: 2020-11-02. Review status: criteria provided, single submitter. Criteria: GeneDx Variant Classification Process June 2021. Collection method: clinical testing. Allele origin: germline. Affected: yes.
Comment: This variant is associated with the following publications: (PMID: 21523855, 21702907)

Illumina Laboratory Services, Illumina
Classification: Uncertain significance for Breast-ovarian cancer, familial, susceptibility to, 1. Last evaluated: 2018-01-13. Review status: criteria provided, single submitter. Criteria: ICSL Variant Classification Criteria 13 December 2019. Collection method: clinical testing. Allele origin: germline.

Color Diagnostics, LLC DBA Color Health
Classification: Likely benign for Hereditary cancer-predisposing syndrome. Last evaluated: 2016-11-21. Review status: criteria provided, single submitter. Criteria: ACMG Guidelines, 2015. Collection method: clinical testing. Allele origin: germline.

Breast Cancer Information Core (BIC) (BRCA1)
Classification: Uncertain significance for Breast-ovarian cancer, familial 1. Last evaluated: 2001-03-30. Review status: no assertion criteria provided. Collection method: clinical testing. Allele origin: germline. Affected: yes. Observed: 1 variant allele. Not counted in ClinVar's aggregate classification.

Department of Pathology and Laboratory Medicine, Sinai Health System
Classification: Uncertain significance for Malignant tumor of breast. Review status: no assertion criteria provided. Collection method: clinical testing. Allele origin: unknown. Affected: yes. Observed: 2 variant alleles. Study: The Canadian Open Genetics Repository (COGR). Not counted in ClinVar's aggregate classification.
Comment: The BRCA1 c.4987-11T>C variant was identified in the literature however the frequency of this variant in an affected population was not provided. The variant was also identified in the following databases: dbSNP (ID: rs80358170) as "With other allele", in ClinVar (2x likely benign, 2x uncertain significance), and the BIC Database (1x, clincial importance unknown). The variant was not identified in the following databases: COGR, Cosmic, MutDB, LOVD 3.0, UMD-LSDB, ARUP Laboratories, or the Zhejiang University Database. The variant was identified in control databases in 1 of 246018 chromosomes at a frequency of 0.000004 (Genome Aggregation Database Feb 27, 2017). It was observed in the â€šÃ„ÃºOtherâ€šÃ„Ã¹ population in 1 of 5484 chromosomes (freq: 0.0002), while the variant was not observed in the African, Latino, European, Ashkenazi Jewish, East Asian, Finnish, and South Asian populations. A study using information theory to analyze splicing variants found that this variant may weaken the natural acceptor splice-site binding affinity (Mucaki 2011). The c.4987-11T>C variant is located in the 3' splice region but does not affect the invariant -1 and -2 positions. However, positions -3 and -5 to -12 are part of the splicing consensus sequence and variants involving these positions sometimes affect splicing. However, only 1 of 5 in silico or computational prediction software programs (SpliceSiteFinder, MaxEntScan, NNSPLICE, GeneSplicer, HumanSpliceFinder) predict a greater than 10% difference in splicing. In summary, based on the above information the clinical significance of this variant cannot be determined with certainty at this time. This variant is classified as a variant of uncertain significance.

Literature cited by the submitters: PubMed 21702907 (cited by Women's Health and Genetics/Laboratory Corporation of America, LabCorp); PubMed 21523855 (cited by Women's Health and Genetics/Laboratory Corporation of America, LabCorp); PubMed 32123317 (cited by Women's Health and Genetics/Laboratory Corporation of America, LabCorp).

NM_007294.4(BRCA1):c.4987-11T>C

Gene: BRCA1 (BRCA1 DNA repair associated; minus strand). Cytogenetic location: 17q21.31.
Variant type: single nucleotide variant.
Coding change: c.4987-11T>C on transcript NM_007294.4 (MANE Select); 11 bases into the intron before coding-DNA position 4987, T replaced by C.
Molecular consequence: intron variant.
Genome position (GRCh38, 1-based): chr17:43,067,706, A>G on the plus strand (T>C on the coding strand, the complement: BRCA1 is on the minus strand). VCF-style: chr17-43067706-A-G. GRCh37 (hg19) VCF-style: chr17-41219723-A-G.
Other names: IVS16-11T>C; c.1534-11T>C (NM_001408458.1, NM_001408461.1, NM_001408464.1 and 7 more transcripts); c.4096-11T>C (NM_001407967.1); c.4606-11T>C (NM_001407959.1); c.4720-11T>C (NM_001407931.1, NM_001407932.1, NM_001407928.1 and 4 more transcripts); c.4843-11T>C (NM_001407747.1, NM_001407745.1, NM_001407737.1 and 21 more transcripts); c.4603-11T>C (NM_001407962.1, NM_001407960.1); c.1174-11T>C (NM_001408512.1); and 72 more.
Identifiers: ClinVar variation 125740 (VCV000125740.33), dbSNP rs80358170, ClinGen allele CA003129.